The following is an entry in ClinVar:

ClinVar aggregate classification (germline): Likely benign. Review status: criteria provided, multiple submitters, no conflicts (2 of 4 stars). 2 submissions from 2 submitters: Likely benign (2). Last evaluated 2025-08-20.

Conditions:
Developmental and epileptic encephalopathy, 14 (DEE14). Also called: Early infantile epileptic encephalopathy 14. Identifiers: Orphanet 293181, MedGen C3554195, MONDO:0013989, OMIM 614959.
Autosomal dominant nocturnal frontal lobe epilepsy 5. Also called: Epilepsy, nocturnal frontal lobe, 5; CILIARY DYSKINESIA, PRIMARY, 28, WITHOUT SITUS INVERSUS; CILIARY DYSKINESIA, PRIMARY, 28, WITH SITUS INVERSUS; KCNT1-Related Epilepsy. Identifiers: Orphanet 98784, MedGen C3554306, MONDO:0014002, OMIM 615005.

Allele frequency attached by ClinVar (database versions not stated): gnomAD 0.00001; TOPMed 0.00001; gnomAD exomes 0.00003 and 0.00005; ExAC 0.00004.
gnomAD v4.1: 43 of 1,603,528 alleles (0.0027%); highest among the groups gnomAD compares: East Asian, 0.018%; no homozygotes.

Submissions (2):

Labcorp Genetics (formerly Invitae), Labcorp
Classification: Likely benign for Autosomal dominant nocturnal frontal lobe epilepsy 5; Developmental and epileptic encephalopathy, 14. Last evaluated: 2025-08-20. Review status: criteria provided, single submitter. Criteria: Invitae Variant Classification Sherloc (09022015). Collection method: clinical testing. Allele origin: germline.

CeGaT Center for Human Genetics Tuebingen
Classification: Likely benign. Last evaluated: 2024-12-01. Review status: criteria provided, single submitter. Criteria: CeGaT Center For Human Genetics Tuebingen Variant Classification Criteria Version 2. Collection method: clinical testing. Allele origin: germline. Affected: yes. Observed: 2 variant alleles.
Comment: KCNT1: BP4, BP7

NM_020822.3(KCNT1):c.3282G>A (p.Thr1094=)

Gene: KCNT1 (potassium sodium-activated channel subfamily T member 1; plus strand). Cytogenetic location: 9q34.3.
Variant type: single nucleotide variant.
Coding change: c.3282G>A on transcript NM_020822.3 (MANE Select); coding-DNA position 3282, G replaced by A.
Protein change: p.Thr1094=; no amino-acid change (threonine 1094 retained).
Molecular consequence: synonymous variant.
Genome position (GRCh38, 1-based): chr9:135,786,301, G>A. VCF-style: chr9-135786301-G-A. GRCh37 (hg19) VCF-style: chr9-138678147-G-A.
Other names: c.3147G>A, p.Thr1049= (NM_001272003.2).
Identifiers: ClinVar variation 833832 (VCV000833832.28), dbSNP rs754919919, ClinGen allele CA5327767.